The following is an entry in ClinVar:

ClinVar aggregate classification (germline): Pathogenic (1 of 4 stars; one submission).

Conditions:
Walker-Warburg congenital muscular dystrophy. Also called: Muscular dystrophy-dystroglycanopathy, type A; Walker-Warburg syndrome. Identifiers: Orphanet 899, MedGen C0265221, MONDO:0000171.
Autosomal recessive limb-girdle muscular dystrophy type 2K. Also called: MUSCULAR DYSTROPHY-DYSTROGLYCANOPATHY (LIMB-GIRDLE), TYPE C, 1; MUSCULAR DYSTROPHY, LIMB-GIRDLE, TYPE 2K. Identifiers: Orphanet 86812, MedGen C1836373, MONDO:0012248, OMIM 609308.
Muscular dystrophy-dystroglycanopathy (congenital with impaired intellectual development), type B, 1. Also called: Muscular dystrophy-dystroglycanopathy (congenital with intellectual disability), type B1; MUSCULAR DYSTROPHY, CONGENITAL, POMT1-RELATED. Identifiers: MedGen C5436962, MONDO:0013159, OMIM 613155.

Allele frequency attached by ClinVar (database versions not stated): ExAC 0.00001; gnomAD exomes below 0.00001; gnomAD 0.00001.
gnomAD v4.1: 3 of 1,614,116 alleles (0.00019%); highest among the groups gnomAD compares: Non-Finnish European, 0.00017%; no homozygotes.

Submission:

Labcorp Genetics (formerly Invitae), Labcorp
Classification: Pathogenic for Muscular dystrophy-dystroglycanopathy (congenital with impaired intellectual development), type B, 1; Walker-Warburg congenital muscular dystrophy; Autosomal recessive limb-girdle muscular dystrophy type 2K. Last evaluated: 2025-10-02. Review status: criteria provided, single submitter. Criteria: Invitae Variant Classification Sherloc (09022015). Collection method: clinical testing. Allele origin: germline.
Comment: This sequence change affects a donor splice site in intron 7 of the POMT1 gene. It is expected to disrupt RNA splicing. Variants that disrupt the donor or acceptor splice site typically lead to a loss of protein function (PMID: 16199547), and loss-of-function variants in POMT1 are known to be pathogenic (PMID: 12369018, 15637732, 16575835). This variant is present in population databases (rs766648827, gnomAD 0.0009%). Disruption of this splice site has been observed in individual(s) with clinical features of POMT1-related conditions (PMID: 17559086, 22323514). In at least one individual the data is consistent with being in trans (on the opposite chromosome) from a pathogenic variant. ClinVar contains an entry for this variant (Variation ID: 1470886). Algorithms developed to predict the effect of sequence changes on RNA splicing suggest that this variant may disrupt the consensus splice site. For these reasons, this variant has been classified as Pathogenic.

Literature cited by the submitters: PubMed 16199547; PubMed 12369018; PubMed 15637732; PubMed 16575835; PubMed 17559086; PubMed 22323514.

NM_001077365.2(POMT1):c.605+1G>T

Gene: POMT1 (protein O-mannosyltransferase 1; plus strand). Cytogenetic location: 9q34.13.
Variant type: single nucleotide variant.
Coding change: c.605+1G>T on transcript NM_001077365.2 (MANE Select); the canonical splice donor site of the intron after coding-DNA position 605, G replaced by T.
Molecular consequence: splice donor variant.
Genome position (GRCh38, 1-based): chr9:131,509,809, G>T. VCF-style: chr9-131509809-G-T. GRCh37 (hg19) VCF-style: chr9-134385196-G-T.
Other names: c.443+1G>T (NM_001353198.2, NM_001353194.2, NM_001374689.1 and 3 more transcripts); c.605+1G>T (NM_001353193.2, NM_001136113.2, NM_007171.4 and 1 more transcripts); c.-532+1G>T (NM_001411024.1); c.149+1G>T (NM_001353200.2, NM_001374695.1); c.254+1G>T (NM_001374691.1, NM_001353195.2, NM_001374692.1 and 2 more transcripts); c.515+1G>T (NM_001353196.2).
Identifiers: ClinVar variation 1470886 (VCV001470886.6), dbSNP rs766648827, ClinGen allele CA5293333.